The following continues an entry in ClinVar:

NM_007294.4(BRCA1):c.5251C>T (p.Arg1751Ter)

Gene: BRCA1. ClinVar aggregate classification (germline): Pathogenic. Pathogenic (1).

Submissions 11 to 27 of 52:

Color Diagnostics, LLC DBA Color Health
Classification: Pathogenic for Hereditary cancer-predisposing syndrome. Last evaluated: 2024-03-25. Review status: criteria provided, single submitter. Criteria: ACMG Guidelines, 2015. Collection method: clinical testing. Allele origin: germline. Not counted in ClinVar's aggregate classification.
Comment: This variant changes 1 nucleotide in exon 19 of the BRCA1 gene, creating a premature translation stop signal. This variant is expected to result in an absent or non-functional protein product. A functional study reported that this variant impacts BRCA1 function in a haploid human cell proliferation assay (PMID: 30209399). This variant has been reported in over 20 individuals affected with breast and ovarian cancer (PMID: 12142080, 17453335, 18159056, 21324516, 23469205, 23536787, 24010542, 25428789, 26287763, 27393621, 30287823, 32856862, 33471991, 35205313; Leiden Open Variation Database DB-ID BRCA1_000435) and an individual affected with prostate cancer (PMID: 27433846). This variant has been identified in 94 families among the CIMBA participants (PMID: 29446198). This variant has been identified in 4/282892 chromosomes in the general population by the Genome Aggregation Database (gnomAD). Loss of BRCA1 function is a known mechanism of disease. Based on the available evidence, this variant is classified as Pathogenic.

Baylor Genetics
Classification: Pathogenic for Breast-ovarian cancer, familial, susceptibility to, 1. Last evaluated: 2024-01-28. Review status: criteria provided, single submitter. Criteria: ACMG Guidelines, 2015. Collection method: clinical testing. Allele origin: unknown. Not counted in ClinVar's aggregate classification.

Quest Diagnostics Nichols Institute San Juan Capistrano
Classification: Pathogenic. Last evaluated: 2023-10-11. Review status: criteria provided, single submitter. Criteria: Quest Diagnostics criteria. Collection method: clinical testing. Allele origin: unknown. Not counted in ClinVar's aggregate classification.
Comment: The BRCA1 c.5251C>T (p.Arg1751*) variant causes the premature termination of BRCA1 protein synthesis. This variant has been reported in the published literature in individuals with breast cancer (PMID: 34529195 (2021), 32341426 (2020), 31825140 (2019), 29752822 (2018), 29339979 (2018), 28324225 (2017)), prostate cancer (PMID: 27433846 (2016)), ovarian cancer (PMID: 21324516 (2011)), and leukemia (PMID: 35534704 (2022)). The frequency of this variant in the general population, 0.000014 (4/282892 chromosomes (Genome Aggregation Database)), is consistent with pathogenicity. Based on the available information, this variant is classified as pathogenic.

Human Genetics Bochum, Ruhr University Bochum
Classification: Pathogenic for Breast-ovarian cancer, familial, susceptibility to, 1. Last evaluated: 2023-09-29. Review status: criteria provided, single submitter. Criteria: ACMG Guidelines, 2015. Collection method: clinical testing. Allele origin: germline. Affected: yes. Not counted in ClinVar's aggregate classification.
Comment: ACMG criteria used to clasify this variant:PVS1, PS4_MOD, PM2_SUP

Institute of Human Genetics, University of Leipzig Medical Center
Classification: Pathogenic for Breast-ovarian cancer, familial, susceptibility to, 1. Last evaluated: 2023-05-16. Review status: criteria provided, single submitter. Criteria: ACMG Guidelines, 2015. Collection method: clinical testing. Allele origin: inherited. Inheritance: Autosomal dominant inheritance. Affected: yes. Not counted in ClinVar's aggregate classification.
Comment: Criteria applied: PVS1,PS3,PS4,PM2_SUP

Mayo Clinic Laboratories, Mayo Clinic
Classification: Pathogenic. Last evaluated: 2022-12-08. Review status: criteria provided, single submitter. Criteria: ACMG Guidelines, 2015. Collection method: clinical testing. Allele origin: germline. Observed: 2 variant alleles. Not counted in ClinVar's aggregate classification.
Comment: PP5, PM2, PS3_supporting, PVS1

Blueprint Genetics
Classification: Pathogenic for BRCA1-related disorders. Last evaluated: 2022-10-20. Review status: criteria provided, single submitter. Criteria: ACMG Guidelines, 2015. Collection method: clinical testing. Allele origin: germline. Affected: yes. Observed: 3 variant alleles. Not counted in ClinVar's aggregate classification.

Revvity Omics, Revvity
Classification: Pathogenic. Last evaluated: 2022-09-30. Review status: criteria provided, single submitter. Criteria: ACMG Guidelines, 2015. Collection method: clinical testing. Allele origin: germline. Not counted in ClinVar's aggregate classification.

Laboratorio de Genetica e Diagnostico Molecular, Hospital Israelita Albert Einstein
Classification: Pathogenic for Hereditary breast ovarian cancer syndrome. Last evaluated: 2022-09-08. Review status: criteria provided, single submitter. Criteria: ACMG Guidelines, 2015. Collection method: clinical testing. Allele origin: germline. Not counted in ClinVar's aggregate classification.
Comment: ACMG classification criteria: PVS1 very strong, PS4 moderated, PM2 moderated

Laboratory for Molecular Medicine, Mass General Brigham Personalized Medicine
Classification: Pathogenic for Hereditary breast ovarian cancer syndrome. Last evaluated: 2022-06-30. Review status: criteria provided, single submitter. Criteria: ACMG Guidelines, 2015. Collection method: clinical testing. Allele origin: germline. Inheritance: Autosomal dominant inheritance. Not counted in ClinVar's aggregate classification.
Comment: The p.Arg1751X variant in BRCA1 has been identified in >50 individuals with BRCA1-associated cancers (Konstantopoulou 2014 PMID: 17453335, Stegal 2011 PMID:21232165, Stavropoulou 2013 PMID: 23536787, Breast Cancer Information Core (BIC) database). It has also been identified in 0.005% (1/19954) of East Asian chromosomes by gnomAD. This variant was classified as Pathogenic on Apr 22, 2016 by the ClinGen-approved ENIGMA Expert Panel (Variation ID 55480). This nonsense variant leads to a premature termination codon at position 1751, which is predicted to lead to a truncated or absent protein. Loss of function of the BRCA1 gene is an established disease mechanism in autosomal dominant hereditary breast and ovarian cancer (HBOC). In summary, this variant meets our criteria to be classified as pathogenic for autosomal dominant HBOC. ACMG/AMP Criteria applied: PVS1, PS4, PM2.

Clinical Genetics Laboratory, Skane University Hospital Lund
Classification: Pathogenic. Last evaluated: 2022-05-27. Review status: criteria provided, single submitter. Criteria: ACMG Guidelines, 2015. Collection method: clinical testing. Allele origin: germline. Affected: yes. Not counted in ClinVar's aggregate classification.

GeneDx
Classification: Pathogenic. Last evaluated: 2022-04-28. Review status: criteria provided, single submitter. Criteria: GeneDx Variant Classification Process June 2021. Collection method: clinical testing. Allele origin: germline. Affected: yes. Not counted in ClinVar's aggregate classification.
Comment: Nonsense variant predicted to result in protein truncation or nonsense mediated decay in a gene for which loss-of-function is a known mechanism of disease; Observed in individuals with a personal or family history consistent with pathogenic variants in this gene (Vehmanen 1997, Sarantaus 2001, Stavropoulou 2013, Churpek 2015, Szwiec 2015, Alemar 2016, Pritchard 2016, Brovkina 2018); Published functional studies demonstrate a damaging effect: unable to support viability in a haploid cell line (Findlay 2018); Not observed at a significant frequency in large population cohorts (gnomAD); Truncating variants in this gene are considered pathogenic by a well-established clinical consortium and/or database; Also known as 5370C>T; This variant is associated with the following publications: (PMID: 24528374, 26852015, 27393621, 27514839, 18783588, 17148771, 23199084, 29310832, 21324516, 25525159, 9361038, 26287763, 23536787, 26843898, 26779294, 27167707, 27082205, 27425403, 27756336, 27533253, 27836010, 27433846, 20614009, 24010542, 21232165, 18821011, 16528604, 28324225, 28985766, 23469205, 29339979, 29752822, 29907814, 28993434, 28724667, 22652532, 22434525, 12142080, 11436123, 18159056, 25428789, 17453335, 30209399, 30333958, 31174498, 30702160, 29161300, 30078507, 29446198, 28176296, 30199306, 32295079, 33084842, 30787465, 34011307, 31447099, 32341426, 31825140)

MGZ Medical Genetics Center
Classification: Pathogenic for Breast-ovarian cancer, familial, susceptibility to, 1. Last evaluated: 2022-02-11. Review status: criteria provided, single submitter. Criteria: ACMG Guidelines, 2015. Collection method: clinical testing. Allele origin: germline. Affected: yes. Observed: 1 variant allele. Not counted in ClinVar's aggregate classification.
Comment: ACMG criteria applied: PVS1, PS3_MOD, PS4_MOD, PM2_SUP

Sema4
Classification: Pathogenic for Hereditary cancer-predisposing syndrome. Last evaluated: 2022-02-05. Review status: criteria provided, single submitter. Criteria: Sema4 Curation Guidelines. Collection method: curation. Allele origin: germline. Not counted in ClinVar's aggregate classification.
Comment: The BRCA1 c.5251C>T (p.R1751X) variant has been reported in heterozygosity in numerous individuals with breast and/or ovarian cancer (PMID: 29310832, 29161300, 30199306). It has been reported in a large case-control study of breast cancer in 5/60466 cases and 0/53461 controls (PMID: 33471991). A functional study reported that this variant impacts BRCA1 function in a haploid human cell proliferation assay (PMID: 30209399). This nonsense variant creates a premature stop codon at residue 1751 of the BRCA1 protein. At this location, this variant is predicted to cause loss of normal protein function either through protein truncation or nonsense-mediated mRNA decay. Loss of function variants in BRCA1 are known to be pathogenic (PMID: 29446198). It was observed in 4/282892 chromosomes in the large and broad cohorts of the Genome Aggregation Database (PMID: 32461654). This variant has been reported in ClinVar (Variation ID 55480). Based on the current evidence available, this variant is interpreted as pathogenic.

Institute of Human Genetics Munich, TUM University Hospital
Classification: Pathogenic for Breast-ovarian cancer, familial, susceptibility to, 1. Last evaluated: 2020-12-14. Review status: criteria provided, single submitter. Criteria: Classification criteria August 2017. Collection method: clinical testing. Allele origin: maternal. Inheritance: Autosomal dominant inheritance. Affected: yes. Observed: 1 variant allele. Not counted in ClinVar's aggregate classification.

Institute of Medical Genetics and Applied Genomics, University Hospital Tübingen
Classification: Pathogenic. Last evaluated: 2020-10-23. Review status: criteria provided, single submitter. Criteria: ACMG Guidelines, 2015. Collection method: clinical testing. Allele origin: germline. Inheritance: Unknown mechanism. Affected: yes. Not counted in ClinVar's aggregate classification.

Department of Molecular Diagnostics, Institute of Oncology Ljubljana
Classification: Pathogenic for Breast-ovarian cancer, familial, susceptibility to, 1. Last evaluated: 2020-04-02. Review status: criteria provided, single submitter. Criteria: ACMG Guidelines, 2015. Collection method: clinical testing. Allele origin: germline. Affected: yes. Not counted in ClinVar's aggregate classification.